The following is an entry in ClinVar:

ClinVar aggregate classification (germline): Pathogenic/Likely pathogenic. Review status: criteria provided, multiple submitters, no conflicts (2 of 4 stars). 5 submissions from 5 submitters: Pathogenic (4); Likely pathogenic (1). Last evaluated 2024-02-15.

Conditions:
Hereditary cancer-predisposing syndrome. Also called: Hereditary neoplastic syndrome; Hereditary Cancer Syndrome; Tumor predisposition; Neoplastic Syndromes, Hereditary. Identifiers: Orphanet 140162, MedGen C0027672, MeSH D009386, MONDO:0015356.
Familial adenomatous polyposis 1 (FAP1). Also called: POLYPOSIS, ADENOMATOUS INTESTINAL; FAMILIAL ADENOMATOUS POLYPOSIS 1, ATTENUATED. Identifiers: MedGen C2713442, MONDO:0021056, OMIM 175100. Disease mechanism: loss of function.

Submissions (5):

Quest Diagnostics Nichols Institute San Juan Capistrano
Classification: Pathogenic. Last evaluated: 2024-02-15. Review status: criteria provided, single submitter. Criteria: Quest Diagnostics criteria. Collection method: clinical testing. Allele origin: unknown.
Comment: The APC c.7467_7468dup (p.Asp2490Valfs*27) variant alters the translational reading frame of the APC mRNA and causes the premature termination of APC protein synthesis. This variant has not been reported in individuals with APC-related conditions in the published literature. This variant has not been reported in large, multi-ethnic general populations (Genome Aggregation Database). Based on the available information, this variant is classified as pathogenic.

Labcorp Genetics (formerly Invitae), Labcorp
Classification: Pathogenic for Familial adenomatous polyposis 1. Last evaluated: 2023-05-16. Review status: criteria provided, single submitter. Criteria: Invitae Variant Classification Sherloc (09022015). Collection method: clinical testing. Allele origin: germline.
Comment: For these reasons, this variant has been classified as Pathogenic. A different truncation (p.Tyr2645Lysfs*14) that lies downstream of this variant has been determined to be pathogenic (PMID: 9824584, 1316610, 27081525, 8381579, 22135120, Invitae). This suggests that deletion of this region of the APC protein is causative of disease. This variant is expected to disrupt the EB1 and HDLG binding sites, which mediate interactions with the cytoskeleton (PMID: 15311282, 17293347). While functional studies have not been performed to directly test the effect on APC protein function, this suggests that disruption of the C-terminal portion of the protein is functionally important. ClinVar contains an entry for this variant (Variation ID: 438889). This variant has not been reported in the literature in individuals affected with APC-related conditions. This variant is not present in population databases (gnomAD no frequency). This sequence change creates a premature translational stop signal (p.Asp2490Valfs*27) in the APC gene. While this is not anticipated to result in nonsense mediated decay, it is expected to disrupt the last 354 amino acid(s) of the APC protein.

Myriad Genetics, Inc.
Classification: Pathogenic for Familial adenomatous polyposis 1. Last evaluated: 2023-05-16. Review status: criteria provided, single submitter. Criteria: Myriad Autosomal Dominant, Autosomal Recessive and X-Linked Classification Criteria (2023). Collection method: clinical testing. Allele origin: unknown.
Comment: This variant is considered pathogenic. This variant creates a frameshift predicted to result in premature protein truncation.

Ambry Genetics
Classification: Pathogenic for Hereditary cancer-predisposing syndrome. Last evaluated: 2022-06-07. Review status: criteria provided, single submitter. Criteria: Ambry Variant Classification Scheme 2023. Collection method: clinical testing. Allele origin: germline.
Comment: The c.7467_7468dupTG pathogenic mutation, located in coding exon 15 of the APC gene, results from a duplication of TG at nucleotide position 7467, causing a translational frameshift with a predicted alternate stop codon (p.D2490Vfs*27). This alteration occurs at the 3' terminus of the APC gene, is not expected to trigger nonsense-mediated mRNA decay, and impacts the last 354 amino acids of the protein. However, premature stop codons are typically deleterious in nature and the impacted region is critical for protein function and a significant portion of the protein is affected (Ambry internal data). This alteration has been observed in at least one individual with a personal and/or family history that is consistent with APC-related disease (Ambry internal data). This variant is considered to be rare based on population cohorts in the Genome Aggregation Database (gnomAD). Based on the supporting evidence, this alteration is interpreted as a disease-causing mutation.

Baylor Genetics
Classification: Likely pathogenic for Familial adenomatous polyposis 1. Last evaluated: 2021-12-16. Review status: criteria provided, single submitter. Criteria: ACMG Guidelines, 2015. Collection method: clinical testing. Allele origin: unknown.

Literature cited by the submitters: PubMed 9824584 (cited by Labcorp Genetics (formerly Invitae), Labcorp); PubMed 1316610 (cited by Labcorp Genetics (formerly Invitae), Labcorp); PubMed 27081525 (cited by Labcorp Genetics (formerly Invitae), Labcorp); PubMed 8381579 (cited by Labcorp Genetics (formerly Invitae), Labcorp); PubMed 22135120 (cited by Labcorp Genetics (formerly Invitae), Labcorp); PubMed 15311282 (cited by Labcorp Genetics (formerly Invitae), Labcorp); PubMed 17293347 (cited by Labcorp Genetics (formerly Invitae), Labcorp).

NM_000038.6(APC):c.7467_7468dup (p.Asp2490fs)

Gene: APC (APC regulator of Wnt signaling pathway; plus strand). Cytogenetic location: 5q22.2.
Variant type: Duplication.
Coding change: c.7467_7468dup on transcript NM_000038.6 (MANE Select); coding-DNA positions 7467 to 7468, 2 bases duplicated (TG; older notation c.7467_7468dupTG).
Protein change: p.Asp2490fs; shifts the reading frame from aspartic acid 2490.
Molecular consequence: frameshift variant.
Genome position (GRCh38, 1-based): chr5:112,843,061-112,843,062, TG duplicated. VCF-style (leftmost placement, unchanged base first): chr5-112843060-C-CTG. GRCh37 (hg19) VCF-style: chr5-112178757-C-CTG.
Other names: c.7467_7468dupTG (NM_000038.5); c.7467_7468dup, p.Asp2490fs (NM_001127510.3, NM_001354895.2); c.7413_7414dup, p.Asp2472fs (NM_001127511.3); c.7521_7522dup, p.Asp2508fs (NM_001354896.2); c.7497_7498dup, p.Asp2500fs (NM_001354897.2); c.7392_7393dup, p.Asp2465fs (NM_001354898.2); c.7383_7384dup, p.Asp2462fs (NM_001354899.2); c.7344_7345dup, p.Asp2449fs (NM_001354900.2); and 6 more; short protein forms D2431fs, D2449fs, D2462fs, D2465fs, D2500fs, D2389fs, D2472fs, D2508fs.
Identifiers: ClinVar variation 438889 (VCV000438889.16), dbSNP rs1554088383, ClinGen allele CA645509165.